The following is an entry in ClinVar:

NM_006009.4(TUBA1A):c.408G>A (p.Leu136=)

Gene: TUBA1A (tubulin alpha 1a; minus strand). Cytogenetic location: 12q13.12.
Variant type: single nucleotide variant.
Coding change: c.408G>A on transcript NM_006009.4 (MANE Select); coding-DNA position 408, G replaced by A.
Protein change: p.Leu136=; no amino-acid change (leucine 136 retained).
Molecular consequence: synonymous variant.
Genome position (GRCh38, 1-based): chr12:49,185,958, C>T on the plus strand (G>A on the coding strand, the complement: TUBA1A is on the minus strand). VCF-style: chr12-49185958-C-T. GRCh37 (hg19) VCF-style: chr12-49579741-C-T.
Other names: c.408G>A, p.Leu136= (NM_001270399.2); c.303G>A, p.Leu101= (NM_001270400.2).
Identifiers: ClinVar variation 3054429 (VCV003054429.5), dbSNP rs201587501, ClinGen allele CA236622727.

ClinVar aggregate classification (germline): Likely benign. Review status: criteria provided, multiple submitters, no conflicts (2 of 4 stars). 3 submissions from 3 submitters: Likely benign (2). 1 of the submissions does not count toward it. Last evaluated 2024-05-04.

Conditions:
TUBA1A-related disorder. Also called: TUBA1A-related condition.

Allele frequency attached by ClinVar (database versions not stated): gnomAD 0.00001; TOPMed 0.00001; gnomAD exomes 0.00002.
gnomAD v4.1: 34 of 1,613,958 alleles (0.0021%); highest among the groups gnomAD compares: Non-Finnish European, 0.0029%; no homozygotes.

Submissions (3):

Labcorp Genetics (formerly Invitae), Labcorp
Classification: Likely benign. Last evaluated: 2024-05-04. Review status: criteria provided, single submitter. Criteria: Invitae Variant Classification Sherloc (09022015). Collection method: clinical testing. Allele origin: germline.

Blueprint Genetics
Classification: Likely benign. Last evaluated: 2022-10-25. Review status: criteria provided, single submitter. Criteria: ACMG Guidelines, 2015. Collection method: clinical testing. Allele origin: germline.

PreventionGenetics, part of Exact Sciences
Classification: Likely benign for TUBA1A-related condition. Last evaluated: 2020-04-01. Review status: no assertion criteria provided. Collection method: clinical testing. Allele origin: germline. Not counted in ClinVar's aggregate classification.
Comment: This variant is classified as likely benign based on ACMG/AMP sequence variant interpretation guidelines (Richards et al. 2015 PMID: 25741868, with internal and published modifications).